The following is an entry in ClinVar:

NM_000760.4(CSF3R):c.532G>A (p.Val178Met)

Gene: CSF3R (colony stimulating factor 3 receptor; minus strand). Cytogenetic location: 1p34.3.
Variant type: single nucleotide variant.
Coding change: c.532G>A on transcript NM_000760.4 (MANE Select); coding-DNA position 532, G replaced by A.
Protein change: p.Val178Met; replaces valine 178 with methionine.
Molecular consequence: missense variant.
Genome position (GRCh38, 1-based): chr1:36,473,576, C>T on the plus strand (G>A on the coding strand, the complement: CSF3R is on the minus strand). VCF-style: chr1-36473576-C-T. GRCh37 (hg19) VCF-style: chr1-36939177-C-T.
Other names: c.532G>A (NM_000760.3); c.532G>A, p.Val178Met (NM_156039.3, NM_172313.3); short protein forms V178M.
Identifiers: ClinVar variation 1014441 (VCV001014441.12), dbSNP rs186379741, ClinGen allele CA769440.
Genomic context (GRCh38, chr1:36,473,576, plus strand): 5'-TCTGGTACAACAGCAGGTGTTTGCGTGGGATGCAGCAGTGGCTCTGCCCGTCCTTGGGCA[C>T]GCAGTCCAGGATGGAGTCCCCTTGGGTCTGACAGTTGCCCCGGCTCCTGCCAATAGTCCA-3'
Protein context (NP_000751.1, residues 168-188): QTQGDSILDC[Val178Met]PKDGQSHCCI

ClinVar aggregate classification (germline): Uncertain significance. Review status: criteria provided, multiple submitters, no conflicts (2 of 4 stars). 3 submissions from 3 submitters: Uncertain significance (3). Last evaluated 2026-01-30.

Conditions:
Autosomal recessive severe congenital neutropenia due to CSF3R deficiency. Also called: Neutropenia, severe congenital, 7, autosomal recessive. Identifiers: Orphanet 420702, MedGen C4310764, MONDO:0014865, OMIM 617014.
CSF3R-related disorder. Also called: CSF3R-related condition.

Allele frequency attached by ClinVar (database versions not stated): gnomAD exomes 0.00003; TOPMed 0.00006; 1000 Genomes Project 30x 0.00016; 1000 Genomes Project 0.00020.
gnomAD v4.1: 44 of 1,614,168 alleles (0.0027%); highest among the groups gnomAD compares: African/African-American, 0.013%; no homozygotes.

Submissions (3):

Dasa
Classification: Uncertain significance. Last evaluated: 2026-01-30. Review status: criteria provided, single submitter. Criteria: DASA Assertion Criteria. Collection method: clinical testing. Allele origin: germline.
Comment: NM_000760.4(CSF3R):c.532G>A (p.Val178Met) is a missense variant that results in the substitution of valine with methionine. This variant is rare in population databases. Computational prediction algorithms are consistent with a benign effect. The currently available literature and clinical evidence are not sufficient to establish a definitive association between this variant and the reported condition. Therefore, this variant is classified as a variant of uncertain significance.

PreventionGenetics, part of Exact Sciences
Classification: Uncertain significance for CSF3R-related condition. Last evaluated: 2025-01-30. Review status: criteria provided, single submitter. Criteria: ACMG Guidelines, 2015. Collection method: clinical testing. Allele origin: germline.
Comment: The CSF3R c.532G>A variant is predicted to result in the amino acid substitution p.Val178Met. To our knowledge, this variant has not been reported in the literature. This variant is reported in 0.016% of alleles in individuals of African descent in gnomAD. At this time, the clinical significance of this variant is uncertain due to the absence of conclusive functional and genetic evidence.

Labcorp Genetics (formerly Invitae), Labcorp
Classification: Uncertain significance for Autosomal recessive severe congenital neutropenia due to CSF3R deficiency. Last evaluated: 2025-01-24. Review status: criteria provided, single submitter. Criteria: Invitae Variant Classification Sherloc (09022015). Collection method: clinical testing. Allele origin: germline.
Comment: This sequence change replaces valine, which is neutral and non-polar, with methionine, which is neutral and non-polar, at codon 178 of the CSF3R protein (p.Val178Met). This variant is present in population databases (rs186379741, gnomAD 0.02%). This variant has not been reported in the literature in individuals affected with CSF3R-related conditions. ClinVar contains an entry for this variant (Variation ID: 1014441). Invitae Evidence Modeling of protein sequence and biophysical properties (such as structural, functional, and spatial information, amino acid conservation, physicochemical variation, residue mobility, and thermodynamic stability) indicates that this missense variant is not expected to disrupt CSF3R protein function with a negative predictive value of 80%. In summary, the available evidence is currently insufficient to determine the role of this variant in disease. Therefore, it has been classified as a Variant of Uncertain Significance.